The following is an entry in ClinVar:

ClinVar aggregate classification (germline): Uncertain significance (1 of 4 stars; one submission).

Conditions:
Cardiovascular phenotype. Identifiers: MedGen CN230736.

gnomAD v4.1: 1 of 1,548,632 alleles (0.000065%); highest among the groups gnomAD compares: Non-Finnish European, 0.000087%; no homozygotes.

Submission:

Ambry Genetics
Classification: Uncertain significance for Cardiovascular phenotype. Last evaluated: 2025-04-12. Review status: criteria provided, single submitter. Criteria: Ambry Variant Classification Scheme 2023. Collection method: clinical testing. Allele origin: germline.
Comment: The p.S3193R variant (also known as c.9579C>A), located in coding exon 2 of the ZNF469 gene, results from a C to A substitution at nucleotide position 9579. The serine at codon 3193 is replaced by arginine, an amino acid with dissimilar properties. This amino acid position is conserved. In addition, this alteration is predicted to be tolerated by in silico analysis. Based on the available evidence, the clinical significance of this variant remains unclear.

NM_001367624.2(ZNF469):c.9663C>A (p.Ser3221Arg)

Gene: ZNF469 (zinc finger protein 469; plus strand). Cytogenetic location: 16q24.2.
Variant type: single nucleotide variant.
Coding change: c.9663C>A on transcript NM_001367624.2 (MANE Select); coding-DNA position 9663, C replaced by A.
Protein change: p.Ser3221Arg; replaces serine 3221 with arginine.
Molecular consequence: missense variant.
Genome position (GRCh38, 1-based): chr16:88,437,133, C>A. VCF-style: chr16-88437133-C-A. GRCh37 (hg19) VCF-style: chr16-88503541-C-A.
Other names: NM_001127464.1:c.9579C>A; short protein forms S3221R.
Identifiers: ClinVar variation 3987322 (VCV003987322.1).